The following is an entry in ClinVar:

ClinVar aggregate classification (germline): Uncertain significance (1 of 4 stars; one submission).

Conditions:
DK1-congenital disorder of glycosylation. Also called: CDG Im; DK1 DEFICIENCY; DOLICHOL KINASE DEFICIENCY; CONGENITAL DISORDER OF GLYCOSYLATION, TYPE Im; DK1-CDG; DOLK-congenital disorder of glycosylation. Identifiers: Orphanet 91131, MedGen C1835849, MONDO:0012556, OMIM 610768.

Allele frequency attached by ClinVar (database versions not stated): gnomAD exomes below 0.00001; TOPMed below 0.00001; gnomAD 0.00001.

Submission:

Labcorp Genetics (formerly Invitae), Labcorp
Classification: Uncertain significance for DK1-congenital disorder of glycosylation. Last evaluated: 2021-08-27. Review status: criteria provided, single submitter. Criteria: Invitae Variant Classification Sherloc (09022015). Collection method: clinical testing. Allele origin: germline.
Comment: Algorithms developed to predict the effect of missense changes on protein structure and function are either unavailable or do not agree on the potential impact of this missense change (SIFT: "Deleterious"; PolyPhen-2: "Not Available"; Align-GVGD: "Class C0"). In summary, the available evidence is currently insufficient to determine the role of this variant in disease. Therefore, it has been classified as a Variant of Uncertain Significance. This variant has not been reported in the literature in individuals affected with DOLK-related conditions. This variant is not present in population databases (ExAC no frequency). This sequence change replaces leucine with phenylalanine at codon 527 of the DOLK protein (p.Leu527Phe). The leucine residue is moderately conserved and there is a small physicochemical difference between leucine and phenylalanine.

NM_014908.4(DOLK):c.1579C>T (p.Leu527Phe)

Gene: DOLK (dolichol kinase; minus strand). Cytogenetic location: 9q34.11.
Variant type: single nucleotide variant.
Coding change: c.1579C>T on transcript NM_014908.4 (MANE Select); coding-DNA position 1579, C replaced by T.
Protein change: p.Leu527Phe; replaces leucine 527 with phenylalanine.
Molecular consequence: missense variant.
Genome position (GRCh38, 1-based): chr9:128,945,725, G>A on the plus strand (C>T on the coding strand, the complement: DOLK is on the minus strand). VCF-style: chr9-128945725-G-A. GRCh37 (hg19) VCF-style: chr9-131708004-G-A.
Other names: short protein forms L527F.
Identifiers: ClinVar variation 1364205 (VCV001364205.5), dbSNP rs1841648949, ClinGen allele CA375115436.